The following is an entry in ClinVar:

ClinVar aggregate classification (germline): Likely pathogenic (1 of 4 stars; one submission).

gnomAD v4.1: 2 of 1,612,610 alleles (0.00012%); highest among the groups gnomAD compares: Non-Finnish European, 0.00017%; no homozygotes.

Submission:

GeneDx
Classification: Likely pathogenic. Last evaluated: 2017-10-18. Review status: criteria provided, single submitter. Criteria: GeneDx Variant Classification (06012015). Collection method: clinical testing. Allele origin: germline. Affected: yes.
Comment: The c.2478+1G>T variant in the DNMT3A gene has not been reported previously as a pathogenic variant, nor as a benign variant, to our knowledge. This splice site variant destroys the canonical splice donor site in intron 2. It is predicted to cause abnormal gene splicing, either leading to an abnormal message that is subject to nonsense-mediated mRNA decay, or to an abnormal protein product if the message is used for protein translation. The c.2478+1G>T variant is not observed in large population cohorts (Lek et al., 2016). We interpret c.2478+1G>T as a likely pathogenic variant.

NM_022552.5(DNMT3A):c.2478+1G>T

Gene: DNMT3A (DNA methyltransferase 3 alpha; minus strand). Cytogenetic location: 2p23.3.
Variant type: single nucleotide variant.
Coding change: c.2478+1G>T on transcript NM_022552.5 (MANE Select); the canonical splice donor site of the intron after coding-DNA position 2478, G replaced by T.
Molecular consequence: splice donor variant.
Genome position (GRCh38, 1-based): chr2:25,236,935, C>A on the plus strand (G>T on the coding strand, the complement: DNMT3A is on the minus strand). VCF-style: chr2-25236935-C-A. GRCh37 (hg19) VCF-style: chr2-25459804-C-A.
Other names: c.2478+1G>T (NM_175629.2); c.1911+1G>T (NM_153759.3); c.2022+1G>T (NM_001320893.1); c.1809+1G>T (NM_001375819.1).
Identifiers: ClinVar variation 452755 (VCV000452755.2), dbSNP rs762213449, ClinGen allele CA346068879.